The following is an entry in ClinVar:

NM_005045.4(RELN):c.4418G>A (p.Gly1473Asp)

Gene: RELN (reelin; minus strand). Cytogenetic location: 7q22.1.
Variant type: single nucleotide variant.
Coding change: c.4418G>A on transcript NM_005045.4 (MANE Select); coding-DNA position 4418, G replaced by A.
Protein change: p.Gly1473Asp; replaces glycine 1473 with aspartic acid.
Molecular consequence: missense variant.
Genome position (GRCh38, 1-based): chr7:103,574,185, C>T on the plus strand (G>A on the coding strand, the complement: RELN is on the minus strand). VCF-style: chr7-103574185-C-T. GRCh37 (hg19) VCF-style: chr7-103214632-C-T.
Other names: c.4418G>A, p.Gly1473Asp (NM_173054.3); short protein forms G1473D.
Identifiers: ClinVar variation 2633677 (VCV002633677.3), dbSNP rs2484755137, ClinGen allele CA368750762.

ClinVar aggregate classification (germline): Uncertain significance. Review status: criteria provided, multiple submitters, no conflicts (2 of 4 stars). 2 submissions from 2 submitters: Uncertain significance (2). Last evaluated 2024-04-18.

Conditions:
Norman-Roberts syndrome (LIS2). Also called: Lissencephaly 2 (Norman-Roberts type). Identifiers: Orphanet 89844, MedGen C0796089, MONDO:0009760, OMIM 257320.
Familial temporal lobe epilepsy 7. Identifiers: Orphanet 101046, MedGen C4225327, MONDO:0014639, OMIM 616436.
RELN-related disorder. Also called: RELN-related condition.

Submissions (2):

Labcorp Genetics (formerly Invitae), Labcorp
Classification: Uncertain significance for Familial temporal lobe epilepsy 7; Norman-Roberts syndrome. Last evaluated: 2024-04-18. Review status: criteria provided, single submitter. Criteria: Invitae Variant Classification Sherloc (09022015). Collection method: clinical testing. Allele origin: germline.
Comment: This sequence change replaces glycine, which is neutral and non-polar, with aspartic acid, which is acidic and polar, at codon 1473 of the RELN protein (p.Gly1473Asp). This variant is not present in population databases (gnomAD no frequency). This variant has not been reported in the literature in individuals affected with RELN-related conditions. ClinVar contains an entry for this variant (Variation ID: 2633677). Advanced modeling of protein sequence and biophysical properties (such as structural, functional, and spatial information, amino acid conservation, physicochemical variation, residue mobility, and thermodynamic stability) performed at Invitae indicates that this missense variant is not expected to disrupt RELN protein function with a negative predictive value of 80%. In summary, the available evidence is currently insufficient to determine the role of this variant in disease. Therefore, it has been classified as a Variant of Uncertain Significance.

PreventionGenetics, part of Exact Sciences
Classification: Uncertain significance for RELN-related condition. Last evaluated: 2023-03-27. Review status: criteria provided, single submitter. Criteria: ACMG Guidelines, 2015. Collection method: clinical testing. Allele origin: germline.
Comment: The RELN c.4418G>A variant is predicted to result in the amino acid substitution p.Gly1473Asp. To our knowledge, this variant has not been reported in the literature or in a large population database, indicating this variant is rare. At this time, the clinical significance of this variant is uncertain due to the absence of conclusive functional and genetic evidence.